The following is an entry in ClinVar:

ClinVar aggregate classification (germline): Pathogenic (1 of 4 stars; one submission).

Conditions:
Immunodeficiency 104. Also called: Severe combined immunodeficiency, autosomal recessive, T cell-negative, B cell-positive, NK cell-positive; SCID, AUTOSOMAL RECESSIVE, T CELL-NEGATIVE, B CELL-POSITIVE, NK CELL-POSITIVE; IMMUNODEFICIENCY 104, SEVERE COMBINED; Severe Combined Immune Deficiency, Autosomal Recessive, TCell -Negative, B Cell-Positive, NK Cell-Positive, IL7R-Related. Identifiers: MedGen C5676890, MONDO:0012163, OMIM 608971.

Submission:

Labcorp Genetics (formerly Invitae), Labcorp
Classification: Pathogenic for Immunodeficiency 104. Last evaluated: 2023-06-10. Review status: criteria provided, single submitter. Criteria: Invitae Variant Classification Sherloc (09022015). Collection method: clinical testing. Allele origin: germline.
Comment: For these reasons, this variant has been classified as Pathogenic. This variant has not been reported in the literature in individuals affected with IL7R-related conditions. This variant is not present in population databases (gnomAD no frequency). This sequence change creates a premature translational stop signal (p.Asn65Serfs*9) in the IL7R gene. It is expected to result in an absent or disrupted protein product. Loss-of-function variants in IL7R are known to be pathogenic (PMID: 21664875, 26123418).

Literature cited by the submitters: PubMed 21664875; PubMed 26123418.

NM_002185.5(IL7R):c.190_193dup (p.Asn65fs)

Gene: IL7R (interleukin 7 receptor; plus strand). Cytogenetic location: 5p13.2.
Variant type: Duplication.
Coding change: c.190_193dup on transcript NM_002185.5 (MANE Select); coding-DNA positions 190 to 193, 4 bases duplicated (GTCA; older notation c.190_193dupGTCA).
Protein change: p.Asn65fs; shifts the reading frame from asparagine 65.
Molecular consequence: frameshift variant. On other transcripts: non-coding transcript variant (1).
Genome position (GRCh38, 1-based): chr5:35,860,959-35,860,962, GTCA duplicated. VCF-style (leftmost placement, unchanged base first): chr5-35860958-T-TGTCA. GRCh37 (hg19) VCF-style: chr5-35861060-T-TGTCA.
Other names: c.190_193dup, p.Asn65fs (NM_001410734.1); short protein forms N65fs.
Identifiers: ClinVar variation 2708090 (VCV002708090.3), dbSNP rs2531547862, ClinGen allele CA2697547112.